The following is an entry in ClinVar:

ClinVar aggregate classification (germline): Uncertain significance (1 of 4 stars; one submission).

Submission:

GeneDx
Classification: Uncertain significance. Last evaluated: 2023-11-15. Review status: criteria provided, single submitter. Criteria: GeneDx Variant Classification Process June 2021. Collection method: clinical testing. Allele origin: germline. Affected: yes.
Comment: Not observed at significant frequency in large population cohorts (gnomAD); In silico analysis supports that this missense variant has a deleterious effect on protein structure/function; Has not been previously published as pathogenic or benign to our knowledge

NM_001366145.2(TRPM3):c.1246A>G (p.Met416Val)

Gene: TRPM3 (transient receptor potential cation channel subfamily M member 3; minus strand). Cytogenetic location: 9q21.12.
Variant type: single nucleotide variant.
Coding change: c.1246A>G on transcript NM_001366145.2 (MANE Select); coding-DNA position 1246, A replaced by G.
Protein change: p.Met416Val; replaces methionine 416 with valine.
Molecular consequence: missense variant.
Genome position (GRCh38, 1-based): chr9:70,761,627, T>C on the plus strand (A>G on the coding strand, the complement: TRPM3 is on the minus strand). VCF-style: chr9-70761627-T-C. GRCh37 (hg19) VCF-style: chr9-73376543-T-C.
Other names: c.1246A>G, p.Met416Val (NM_001007471.4, NM_001366146.2, NM_001366149.2 and 2 more transcripts); c.1252A>G, p.Met418Val (NM_001366141.2, NM_001366142.2, NM_001366143.2); c.1321A>G, p.Met441Val (NM_001366147.2, NM_001366148.2, NM_001366152.2); c.787A>G, p.Met263Val (NM_001366154.2, NM_020952.6, NM_024971.7 and 2 more transcripts); c.862A>G, p.Met288Val (NM_206946.5, NM_206947.5); short protein forms M263V, M288V, M416V, M418V, M441V.
Identifiers: ClinVar variation 3364443 (VCV003364443.1).
Genomic context (GRCh38, chr9:70,761,627, plus strand): 5'-GGAGACAGCTGGCCACCCATGCGGAATTACCTACCAATTCCTTCTTCTTCATGCACTCCA[T>C]GAGGATGATGAACAGATGCTGAGCTTGGGTTCGAGTGTATGTGAAAGTCTTCTGTATAGT-3'
Protein context (NP_001353074.1, residues 406-426): TQAQHLFIIL[Met416Val]ECMKKKELIT